The following is an entry in ClinVar:

ClinVar aggregate classification (germline): Uncertain significance. Review status: criteria provided, multiple submitters, no conflicts (2 of 4 stars). 5 submissions from 5 submitters: Uncertain significance (5). Last evaluated 2026-03-14.

Conditions:
Familial thoracic aortic aneurysm and aortic dissection (TAAD). Also called: Thoracic aortic aneurysms and dissections. Identifiers: Orphanet 91387, MedGen C4707243, MONDO:0019625.
Marfan syndrome (MFS). Also called: Marfan syndrome, classic; Marfan syndrome type 1; Marfan's syndrome; FBN1-Related Marfan Syndrome; MARFAN SYNDROME, TYPE I. Identifiers: Orphanet 284963, Orphanet 558, MedGen C0024796, MONDO:0007947, OMIM 154700.
Weill-Marchesani syndrome 2, dominant. Also called: FBN1-Related Weill-Marchesani Syndrome; Weill-Marchesani Syndrome, Autosomal Dominant. Identifiers: Orphanet 2084, MedGen C1869115, MONDO:0012013, OMIM 608328.
Progeroid and marfanoid aspect-lipodystrophy syndrome. Also called: MARFANOID-PROGEROID SYNDROME; MARFAN-PROGEROID-LIPODYSTROPHY SYNDROME; Marfan lipodystrophy syndrome; MARFANOID-PROGEROID-LIPODYSTROPHY SYNDROME. Identifiers: Orphanet 300382, MedGen C4310796, MONDO:0014831, OMIM 616914.
Acromicric dysplasia (ACMICD). Also called: Acromicric skeletal dysplasia. Identifiers: Orphanet 969, MedGen C0265287, MONDO:0007055, OMIM 102370.
Ectopia lentis 1, isolated, autosomal dominant (ECTOL1). Identifiers: Orphanet 1885, MedGen C3541518, MONDO:0007514, OMIM 129600.
Geleophysic dysplasia 2 (GPHYSD2). Identifiers: Orphanet 2623, MedGen C3280054, MONDO:0013612, OMIM 614185.
MASS syndrome (OCTD). Also called: OVERLAP CONNECTIVE TISSUE DISEASE; MASS PHENOTYPE. Identifiers: MedGen C1858556, MONDO:0011431, OMIM 604308.
Stiff skin syndrome (SSKS). Identifiers: Orphanet 2833, MedGen C1861456, MONDO:0008492, OMIM 184900.

Allele frequency attached by ClinVar (database versions not stated): gnomAD 0.00001; TOPMed 0.00001; gnomAD exomes 0.00001 and 0.00003; ExAC 0.00002.
gnomAD v4.1: 41 of 1,614,076 alleles (0.0025%); highest among the groups gnomAD compares: Non-Finnish European, 0.0033%; no homozygotes.

Submissions (5):

GeneDx
Classification: Uncertain significance. Last evaluated: 2026-03-14. Review status: criteria provided, single submitter. Criteria: GeneDx Variant Classification Process June 2021. Collection method: clinical testing. Allele origin: germline.
Comment: Not observed at significant frequency in large population cohorts (gnomAD); In silico analysis suggests that this missense variant does not alter protein structure/function; Has not been previously published as pathogenic or benign to our knowledge; Does not affect a cysteine or calcium-binding residue within an EGF-like domain or a TGF-binding protein domain of the FBN1 gene; cysteine substitutions in the EGF-like domains represent the majority of pathogenic missense changes associated with FBN1-related disorders (PMID: 12938084); This variant is associated with the following publications: (PMID: 12938084)

Labcorp Genetics (formerly Invitae), Labcorp
Classification: Uncertain significance for Marfan syndrome; Familial thoracic aortic aneurysm and aortic dissection. Last evaluated: 2025-10-14. Review status: criteria provided, single submitter. Criteria: Invitae Variant Classification Sherloc (09022015). Collection method: clinical testing. Allele origin: germline.
Comment: This sequence change replaces valine, which is neutral and non-polar, with methionine, which is neutral and non-polar, at codon 1817 of the FBN1 protein (p.Val1817Met). This variant is present in population databases (rs757901214, gnomAD 0.002%). This variant has not been reported in the literature in individuals affected with FBN1-related conditions. ClinVar contains an entry for this variant (Variation ID: 927991). Invitae Evidence Modeling of protein sequence and biophysical properties (such as structural, functional, and spatial information, amino acid conservation, physicochemical variation, residue mobility, and thermodynamic stability) has been performed for this missense variant. However, the output from this modeling did not meet the statistical confidence thresholds required to predict the impact of this variant on FBN1 protein function. In summary, the available evidence is currently insufficient to determine the role of this variant in disease. Therefore, it has been classified as a Variant of Uncertain Significance.

All of Us Research Program, National Institutes of Health
Classification: Uncertain significance for Marfan syndrome. Last evaluated: 2023-10-06. Review status: criteria provided, single submitter. Criteria: ACMG Guidelines, 2015. Collection method: clinical testing. Allele origin: germline. Inheritance: Autosomal dominant inheritance. Observed: 4 variant alleles, 4 heterozygotes.
Comment: This missense variant replaces valine with methionine at codon 1817 of the FBN1 protein. Computational prediction is inconclusive regarding the impact of this variant on protein structure and function (internally defined REVEL score threshold 0.5 < inconclusive < 0.7, PMID: 27666373). To our knowledge, functional studies have not been reported for this variant. This variant has not been reported in individuals affected with affected with FBN1-related disorders in the literature. This variant has been identified in 3/251208 chromosomes in the general population by the Genome Aggregation Database (gnomAD). The available evidence is insufficient to determine the role of this variant in disease conclusively. Therefore, this variant is classified as a Variant of Uncertain Significance.

This study involves interpretation of variants in research participants for the purpose of population health screening. Participant phenotype was not available at the time of variant classification. Additional details can be found in publication PMID: 35346344, PMCID: PMC8962531

Color Diagnostics, LLC DBA Color Health
Classification: Uncertain significance for Familial thoracic aortic aneurysm and aortic dissection. Last evaluated: 2023-09-26. Review status: criteria provided, single submitter. Criteria: ACMG Guidelines, 2015. Collection method: clinical testing. Allele origin: germline.
Comment: This missense variant replaces valine with methionine at codon 1817 of the FBN1 protein. Computational prediction is inconclusive regarding the impact of this variant on protein structure and function (internally defined REVEL score threshold 0.5 < inconclusive < 0.7, PMID: 27666373). To our knowledge, functional studies have not been reported for this variant. This variant has not been reported in individuals affected with affected with FBN1-related disorders in the literature. This variant has been identified in 3/251208 chromosomes in the general population by the Genome Aggregation Database (gnomAD). The available evidence is insufficient to determine the role of this variant in disease conclusively. Therefore, this variant is classified as a Variant of Uncertain Significance.

Fulgent Genetics
Classification: Uncertain significance for Acromicric dysplasia; Ectopia lentis 1, isolated, autosomal dominant; Marfan syndrome; Stiff skin syndrome; MASS syndrome; Weill-Marchesani syndrome 2, dominant; Geleophysic dysplasia 2; Progeroid and marfanoid aspect-lipodystrophy syndrome. Last evaluated: 2021-08-18. Review status: criteria provided, single submitter. Criteria: ACMG Guidelines, 2015. Collection method: clinical testing. Allele origin: unknown.

NM_000138.5(FBN1):c.5449G>A (p.Val1817Met)

Gene: FBN1 (fibrillin 1; minus strand). Cytogenetic location: 15q21.1.
Variant type: single nucleotide variant.
Coding change: c.5449G>A on transcript NM_000138.5 (MANE Select); coding-DNA position 5449, G replaced by A.
Protein change: p.Val1817Met; replaces valine 1817 with methionine.
Molecular consequence: missense variant.
Genome position (GRCh38, 1-based): chr15:48,452,658, C>T on the plus strand (G>A on the coding strand, the complement: FBN1 is on the minus strand). VCF-style: chr15-48452658-C-T. GRCh37 (hg19) VCF-style: chr15-48744855-C-T.
Other names: short protein forms V1817M.
Identifiers: ClinVar variation 927991 (VCV000927991.12), dbSNP rs757901214, ClinGen allele CA055007.
Genomic context (GRCh38, chr15:48,452,658, plus strand): 5'-GCTTACAGTCACAGCGGTAGCTGCCTGCAGTGTTGATGCATTCGGCGTTGCGCTGGCACA[C>T]TGGGCCGTTCTGACACTCGTCAATATCTACGAGCAGAAGAGAACTGAATTTGAAGGAGAA-3'
Protein context (NP_000129.3, residues 1807-1827): EDIDECQNGP[Val1817Met]CQRNAECINT